The following is an entry in ClinVar:

ClinVar aggregate classification (germline): Uncertain significance (1 of 4 stars; one submission).

Conditions:
Inborn genetic diseases. Identifiers: MedGen C0950123, MeSH D030342.

gnomAD v4.1: 3 of 1,612,646 alleles (0.00019%); highest among the groups gnomAD compares: African/African-American, 0.004%; no homozygotes.

Submission:

Ambry Genetics
Classification: Uncertain significance for Inborn genetic diseases. Last evaluated: 2024-12-09. Review status: criteria provided, single submitter. Criteria: Ambry Variant Classification Scheme 2023. Collection method: clinical testing. Allele origin: germline.
Comment: The p.D424V variant (also known as c.1271A>T), located in coding exon 7 of the RECQL4 gene, results from an A to T substitution at nucleotide position 1271. The aspartic acid at codon 424 is replaced by valine, an amino acid with highly dissimilar properties. This amino acid position is conserved. In addition, this alteration is predicted to be tolerated by in silico analysis. Based on the available evidence, the clinical significance of this variant remains unclear.

NM_004260.4(RECQL4):c.1271A>T (p.Asp424Val)

Gene: RECQL4 (RecQ like helicase 4; minus strand). Cytogenetic location: 8q24.3.
Variant type: single nucleotide variant.
Coding change: c.1271A>T on transcript NM_004260.4 (MANE Select); coding-DNA position 1271, A replaced by T.
Protein change: p.Asp424Val; replaces aspartic acid 424 with valine.
Molecular consequence: missense variant. On other transcripts: 5 prime UTR variant (1), non-coding transcript variant (3).
Genome position (GRCh38, 1-based): chr8:144,515,445, T>A on the plus strand (A>T on the coding strand, the complement: RECQL4 is on the minus strand). VCF-style: chr8-144515445-T-A. GRCh37 (hg19) VCF-style: chr8-145740829-T-A.
Other names: c.1175A>T, p.Asp392Val (NM_001413017.1, NM_001413020.1); c.1271A>T, p.Asp424Val (NM_001413018.1, NM_001413019.1, NM_001413033.1 and 2 more transcripts); c.200A>T, p.Asp67Val (NM_001413021.1, NM_001413022.1, NM_001413023.1 and 8 more transcripts); c.1142A>T, p.Asp381Val (NM_001413025.1); c.134A>T, p.Asp45Val (NM_001413027.1, NM_001413030.1, NM_001413031.1 and 2 more transcripts); c.920A>T, p.Asp307Val (NM_001413029.1); c.-197A>T (NM_001413043.1); short protein forms D45V, D381V, D392V, D67V, D307V, D424V.
Identifiers: ClinVar variation 3431926 (VCV003431926.1).
Genomic context (GRCh38, chr8:144,515,445, plus strand): 5'-GGCACCTCAGGTACAGGTTGTGGTGAAGGAACCAGTGGCTCAGGCCCAACAGCATCTGTG[T>A]CTTCCTCACTTGCTGGGGCAGGCAGGAGAGGGTAGAATGGGAGCTCCAGGTCGGGCAAGA-3'
Protein context (NP_004251.4, residues 414-434): AQCPRPASEE[Asp424Val]TDAVGPEPLV